The following is an entry in ClinVar:

ClinVar aggregate classification (germline): Uncertain significance. Review status: criteria provided, multiple submitters, no conflicts (2 of 4 stars). 2 submissions from 2 submitters: Uncertain significance (2). Last evaluated 2025-09-15.

Conditions:
Inborn genetic diseases. Identifiers: MedGen C0950123, MeSH D030342.

gnomAD v4.1: 8 of 1,578,138 alleles (0.00051%); highest among the groups gnomAD compares: East Asian, 0.0068%; no homozygotes.

Submissions (2):

Women's Health and Genetics/Laboratory Corporation of America, LabCorp
Classification: Uncertain significance. Last evaluated: 2025-09-15. Review status: criteria provided, single submitter. Criteria: LabCorp Variant Classification Summary - May 2015. Collection method: clinical testing. Allele origin: germline.
Comment: Variant summary: SETD1A c.3025G>A (p.Glu1009Lys) results in a conservative amino acid change in the encoded protein sequence. Algorithms developed to predict the effect of missense changes on protein structure and function all suggest that this variant is likely to be tolerated. The variant allele was found at a frequency of 1.3e-05 in 229790 control chromosomes. The available data on variant occurrences in the general population are insufficient to allow any conclusion about variant significance. To our knowledge, no occurrence of c.3025G>A in individuals affected with SETD1A-related conditions and no experimental evidence demonstrating its impact on protein function have been reported. No submitters have cited clinical-significance assessments for this variant to ClinVar. Based on the evidence outlined above, the variant was classified as uncertain significance.

Ambry Genetics
Classification: Uncertain significance for Inborn genetic diseases. Last evaluated: 2025-09-10. Review status: criteria provided, single submitter. Criteria: Ambry Variant Classification Scheme 2023. Collection method: clinical testing. Allele origin: germline.

NM_014712.3(SETD1A):c.3025G>A (p.Glu1009Lys)

Gene: SETD1A (SET domain containing 1A, histone lysine methyltransferase; plus strand). Cytogenetic location: 16p11.2.
Variant type: single nucleotide variant.
Coding change: c.3025G>A on transcript NM_014712.3 (MANE Select); coding-DNA position 3025, G replaced by A.
Protein change: p.Glu1009Lys; replaces glutamic acid 1009 with lysine.
Molecular consequence: missense variant.
Genome position (GRCh38, 1-based): chr16:30,971,386, G>A. VCF-style: chr16-30971386-G-A. GRCh37 (hg19) VCF-style: chr16-30982707-G-A.
Other names: short protein forms E1009K.
Identifiers: ClinVar variation 4163130 (VCV004163130.2).